The following is an entry in ClinVar:

GRCh38/hg38 16p11.2(chr16:29662635-30187279)x1

Genes: ALDOA (aldolase, fructose-bisphosphate A; plus strand), ASPHD1 (aspartate beta-hydroxylase domain containing 1; plus strand), C16orf54 (chromosome 16 open reading frame 54; minus strand), CDIPT (CDP-diacylglycerol--inositol 3-phosphatidyltransferase; minus strand), CDIPTOSP (CDIP transferase opposite strand, pseudogene; plus strand) and 92 more. Cytogenetic location: 16p11.2.
Variant type: copy number loss.
Change: copy number 1 (one copy instead of two) of chr16:29,662,635-30,187,279 (524.6 kb, GRCh38 coordinates, 1-based), cytogenetic band 16p11.2.
Identifiers: ClinVar variation 60405 (VCV000060405.1).

ClinVar aggregate classification (germline): Pathogenic (1 of 4 stars; one submission).

Submission:

ISCA site 15
Classification: Pathogenic. Last evaluated: 2011-08-12. Review status: criteria provided, single submitter. Criteria: Kaminsky et al. (Genet Med. 2011). Collection method: clinical testing. Allele origin: unknown. Affected: yes. Observed: 1 variant allele.
Comment: Copy number variation identified through the course of routine clinical cytogenomic testing in postnatal populations. Clinical assertions have been curated as described in Kaminsky et al. 2011.